The following is an entry in ClinVar:

NM_003247.5(THBS2):c.757G>A (p.Glu253Lys)

Gene: THBS2 (thrombospondin 2; minus strand). Cytogenetic location: 6q27.
Variant type: single nucleotide variant.
Coding change: c.757G>A on transcript NM_003247.5 (MANE Select); coding-DNA position 757, G replaced by A.
Protein change: p.Glu253Lys; replaces glutamic acid 253 with lysine.
Molecular consequence: missense variant. On other transcripts: non-coding transcript variant (2).
Genome position (GRCh38, 1-based): chr6:169,241,896, C>T on the plus strand (G>A on the coding strand, the complement: THBS2 is on the minus strand). VCF-style: chr6-169241896-C-T. GRCh37 (hg19) VCF-style: chr6-169641991-C-T.
Other names: c.757G>A, p.Glu253Lys (NM_001381939.1, NM_001381940.1, NM_001381941.1); c.526G>A, p.Glu176Lys (NM_001381942.1); short protein forms E176K, E253K.
Identifiers: ClinVar variation 3040957 (VCV003040957.2), dbSNP rs142711993, ClinGen allele CA4103546.

ClinVar aggregate classification (germline): Likely benign (0 of 4 stars; one submission).

Conditions:
THBS2-related disorder. Also called: THBS2-related condition.

Allele frequency attached by ClinVar (database versions not stated): gnomAD exomes 0.00015; ExAC 0.00030; 1000 Genomes Project 0.00080; 1000 Genomes Project 30x 0.00094; gnomAD 0.00108; ESP Exome Variant Server 0.00123; TOPMed 0.00127.
gnomAD v4.1: 387 of 1,612,154 alleles (0.024%); highest among the groups gnomAD compares: African/African-American, 0.35%; no homozygotes.

Submission:

PreventionGenetics, part of Exact Sciences
Classification: Likely benign for THBS2-related condition. Last evaluated: 2023-04-25. Review status: no assertion criteria provided. Collection method: clinical testing. Allele origin: germline.
Comment: This variant is classified as likely benign based on ACMG/AMP sequence variant interpretation guidelines (Richards et al. 2015 PMID: 25741868, with internal and published modifications).